The following is an entry in ClinVar:

ClinVar aggregate classification (germline): Likely pathogenic (1 of 4 stars; one submission).

Conditions:
Autosomal dominant Alport syndrome (ATS3A). Also called: Alport syndrome dominant type; Renal failure and sensorineural hearing loss; ALPORT SYNDROME 3A, AUTOSOMAL DOMINANT. Identifiers: Orphanet 63, Orphanet 88918, MedGen C5882663, MONDO:0007086, OMIM 104200.

Submission:

MVZ Medizinische Genetik Mainz
Classification: Likely pathogenic for Autosomal dominant Alport syndrome. Last evaluated: 2026-07-27. Review status: criteria provided, single submitter. Criteria: UK Practice Guidelines For Variant Classification V4 01 2020. Collection method: clinical testing. Allele origin: germline. Inheritance: Autosomal dominant inheritance. Affected: yes. Observed: 1 variant allele.
Comment: ACMG Criteria: PVS1,PM2_SUP

NM_000091.5(COL4A3):c.609+2T>G

Genes: COL4A3 (collagen type IV alpha 3 chain; plus strand), MFF-DT (MFF divergent transcript; minus strand). Cytogenetic location: 2q36.3.
Variant type: single nucleotide variant.
Coding change: c.609+2T>G on transcript NM_000091.5 (MANE Select); the canonical splice donor site of the intron after coding-DNA position 609, T replaced by G.
Molecular consequence: splice donor variant.
Genome position (GRCh38, 1-based): chr2:227,251,204, T>G. VCF-style: chr2-227251204-T-G. GRCh37 (hg19) VCF-style: chr2-228115920-T-G.
Identifiers: ClinVar variation 4887035 (VCV004887035.1).